The following is an entry in ClinVar:

NM_018451.5(CPAP):c.327G>A (p.Ala109=)

Gene: CPAP (centrosome assembly and centriole elongation protein; minus strand). Cytogenetic location: 13q12.13.
Variant type: single nucleotide variant.
Coding change: c.327G>A on transcript NM_018451.5 (MANE Select); coding-DNA position 327, G replaced by A.
Protein change: p.Ala109=; no amino-acid change (alanine 109 retained).
Molecular consequence: synonymous variant. On other transcripts: non-coding transcript variant (2).
Genome position (GRCh38, 1-based): chr13:24,912,699, C>T on the plus strand (G>A on the coding strand, the complement: CPAP is on the minus strand). VCF-style: chr13-24912699-C-T. GRCh37 (hg19) VCF-style: chr13-25486837-C-T.
Identifiers: ClinVar variation 1539562 (VCV001539562.16), dbSNP rs371792556, ClinGen allele CA6920037.

ClinVar aggregate classification (germline): Likely benign. Review status: criteria provided, multiple submitters, no conflicts (2 of 4 stars). 2 submissions from 2 submitters: Likely benign (2). Last evaluated 2025-10-22.

Allele frequency attached by ClinVar (database versions not stated): gnomAD exomes 0.00002 and 0.00003; TOPMed 0.00002; ExAC 0.00005; ESP Exome Variant Server 0.00008; gnomAD 0.00011 and 0.00012.
gnomAD v4.1: 45 of 1,613,980 alleles (0.0028%); highest among the groups gnomAD compares: East Asian, 0.0045%; no homozygotes.

Submissions (2):

Labcorp Genetics (formerly Invitae), Labcorp
Classification: Likely benign. Last evaluated: 2025-10-22. Review status: criteria provided, single submitter. Criteria: Invitae Variant Classification Sherloc (09022015). Collection method: clinical testing. Allele origin: germline.

CeGaT Center for Human Genetics Tuebingen
Classification: Likely benign. Last evaluated: 2025-08-01. Review status: criteria provided, single submitter. Criteria: CeGaT Center For Human Genetics Tuebingen Variant Classification Criteria Version 2. Collection method: clinical testing. Allele origin: germline. Affected: yes. Observed: 1 variant allele.
Comment: CPAP: BP4, BP7